The following is an entry in ClinVar:

ClinVar aggregate classification (germline): Uncertain significance (1 of 4 stars; one submission).

Submission:

Labcorp Genetics (formerly Invitae), Labcorp
Classification: Uncertain significance. Last evaluated: 2021-12-08. Review status: criteria provided, single submitter. Criteria: Invitae Variant Classification Sherloc (09022015). Collection method: clinical testing. Allele origin: germline.
Comment: In summary, the available evidence is currently insufficient to determine the role of this variant in disease. Therefore, it has been classified as a Variant of Uncertain Significance. This variant has not been reported in the literature in individuals affected with CARD8-related conditions. This sequence change creates a premature translational stop signal (p.Tyr22*) in the CARD8 gene. It is expected to result in an absent or disrupted protein product. However, the current clinical and genetic evidence is not sufficient to establish whether loss-of-function variants in CARD8 cause disease. This variant is not present in population databases (gnomAD no frequency).

NM_001184900.3(CARD8):c.216C>G (p.Tyr72Ter)

Gene: CARD8 (caspase recruitment domain family member 8; minus strand). Cytogenetic location: 19q13.33.
Variant type: single nucleotide variant.
Coding change: c.216C>G on transcript NM_001184900.3 (MANE Select); coding-DNA position 216, C replaced by G.
Protein change: p.Tyr72Ter; replaces tyrosine 72 with a stop codon.
Molecular consequence: nonsense. On other transcripts: 5 prime UTR variant (6), missense variant (1), non-coding transcript variant (4).
Genome position (GRCh38, 1-based): chr19:48,234,537, G>C on the plus strand (C>G on the coding strand, the complement: CARD8 is on the minus strand). VCF-style: chr19-48234537-G-C. GRCh37 (hg19) VCF-style: chr19-48737794-G-C.
Other names: c.66C>G, p.Tyr22Ter (NM_001351783.2, NM_001351789.2, NM_001351788.2 and 2 more transcripts); c.-59C>G (NM_001351784.2, NM_001351787.2, NM_001351791.2 and 2 more transcripts); c.14C>G, p.Thr5Arg (NM_001351790.2); c.-273C>G (NM_001351786.2); c.216C>G, p.Tyr72Ter (NM_001184902.2, NM_001184903.1, NM_001351782.2); short protein forms Y22*, Y72*, T5R.
Identifiers: ClinVar variation 1949314 (VCV001949314.5), dbSNP rs1449106159, ClinGen allele CA406647136.